The following is an entry in ClinVar:

NM_001130987.2(DYSF):c.2217-20C>T

Gene: DYSF (dysferlin; plus strand). Cytogenetic location: 2p13.2.
Variant type: single nucleotide variant.
Coding change: c.2217-20C>T on transcript NM_001130987.2 (MANE Select); 20 bases into the intron before coding-DNA position 2217, C replaced by T.
Molecular consequence: intron variant.
Genome position (GRCh38, 1-based): chr2:71,561,732, C>T. VCF-style: chr2-71561732-C-T. GRCh37 (hg19) VCF-style: chr2-71788862-C-T.
Other names: c.2163-20C>T (NM_003494.3, NM_001130978.2, NM_003494.4); c.2256-20C>T (NM_001130979.2); c.2214-20C>T (NM_001130981.2, NM_001130980.2); c.2121-20C>T (NM_001130977.2, NM_001130976.2); c.2259-20C>T (NM_001130982.2); c.2217-20C>T (NM_001130985.2); c.2166-20C>T (NM_001130983.2, NM_001130455.2); c.2124-20C>T (NM_001130984.2, NM_001130986.2).
Identifiers: ClinVar variation 1915159 (VCV001915159.8), dbSNP rs374013027, ClinGen allele CA1706100.

ClinVar aggregate classification (germline): Likely benign. Review status: criteria provided, multiple submitters, no conflicts (2 of 4 stars). 3 submissions from 3 submitters: Likely benign (2). 1 of the submissions does not count toward it. Last evaluated 2025-12-15.

Conditions:
DYSF-related disorder. Also called: DYSF-related disorders; DYSF-related condition.
Neuromuscular disease caused by qualitative or quantitative defects of dysferlin. Also called: Qualitative or quantitative defects of dysferlin; Dysferlinopathy. Identifiers: Orphanet 207073, MedGen C2931687, MONDO:0016145.

Allele frequency attached by ClinVar (database versions not stated): TOPMed 0.00004; gnomAD 0.00006; ESP Exome Variant Server 0.00008; gnomAD exomes 0.00008; ExAC 0.00012.
gnomAD v4.1: 124 of 1,613,982 alleles (0.0077%); highest among the groups gnomAD compares: South Asian, 0.077%; 1 homozygote.

Submissions (3):

Labcorp Genetics (formerly Invitae), Labcorp
Classification: Likely benign for Neuromuscular disease caused by qualitative or quantitative defects of dysferlin. Last evaluated: 2025-12-15. Review status: criteria provided, single submitter. Criteria: Invitae Variant Classification Sherloc (09022015). Collection method: clinical testing. Allele origin: germline.

Blueprint Genetics
Classification: Likely benign. Last evaluated: 2024-08-04. Review status: criteria provided, single submitter. Criteria: ACMG Guidelines, 2015. Collection method: clinical testing. Allele origin: germline.

PreventionGenetics, part of Exact Sciences
Classification: Likely benign for DYSF-related condition. Last evaluated: 2022-12-21. Review status: no assertion criteria provided. Collection method: clinical testing. Allele origin: germline. Not counted in ClinVar's aggregate classification.
Comment: This variant is classified as likely benign based on ACMG/AMP sequence variant interpretation guidelines (Richards et al. 2015 PMID: 25741868, with internal and published modifications).